The following is an entry in ClinVar:

ClinVar aggregate classification (germline): Uncertain significance (1 of 4 stars; one submission).

Conditions:
Familial hemophagocytic lymphohistiocytosis 4 (FHL4). Also called: STX11-Related Familial Hemophagocytic Lymphohistiocytosis (STX11-fHLH). Identifiers: Orphanet 540, MedGen C1863728, MONDO:0011336, OMIM 603552.

Allele frequency attached by ClinVar (database versions not stated): gnomAD exomes below 0.00001; TOPMed below 0.00001.
gnomAD v4.1: 9 of 1,613,748 alleles (0.00056%); highest among the groups gnomAD compares: South Asian, 0.0022%; no homozygotes.

Submission:

Labcorp Genetics (formerly Invitae), Labcorp
Classification: Uncertain significance for Familial hemophagocytic lymphohistiocytosis 4. Last evaluated: 2021-11-17. Review status: criteria provided, single submitter. Criteria: Invitae Variant Classification Sherloc (09022015). Collection method: clinical testing. Allele origin: germline.
Comment: This sequence change replaces aspartic acid, which is acidic and polar, with histidine, which is basic and polar, at codon 61 of the STX11 protein (p.Asp61His). This variant is present in population databases (no rsID available, gnomAD 0.0009%). This variant has not been reported in the literature in individuals affected with STX11-related conditions. ClinVar contains an entry for this variant (Variation ID: 653917). Algorithms developed to predict the effect of missense changes on protein structure and function are either unavailable or do not agree on the potential impact of this missense change (SIFT: "Tolerated"; PolyPhen-2: "Probably Damaging"; Align-GVGD: "Class C0"). In summary, the available evidence is currently insufficient to determine the role of this variant in disease. Therefore, it has been classified as a Variant of Uncertain Significance.

NM_003764.4(STX11):c.181G>C (p.Asp61His)

Gene: STX11 (syntaxin 11; plus strand). Cytogenetic location: 6q24.2.
Variant type: single nucleotide variant.
Coding change: c.181G>C on transcript NM_003764.4 (MANE Select); coding-DNA position 181, G replaced by C.
Protein change: p.Asp61His; replaces aspartic acid 61 with histidine.
Molecular consequence: missense variant.
Genome position (GRCh38, 1-based): chr6:144,186,808, G>C. VCF-style: chr6-144186808-G-C. GRCh37 (hg19) VCF-style: chr6-144507945-G-C.
Other names: c.181G>C (LRG_113t1); short protein forms D61H.
Identifiers: ClinVar variation 653917 (VCV000653917.4), dbSNP rs1267402375, ClinGen allele CA365948701.